The following is an entry in ClinVar:

ClinVar aggregate classification (germline): Benign (1 of 4 stars; one submission).

Allele frequency attached by ClinVar (database versions not stated): gnomAD exomes 0.17807; gnomAD 0.31150 and 0.31168; TOPMed 0.33453; 1000 Genomes Project 0.41494; 1000 Genomes Project 30x 0.41646.
gnomAD v4.1: 147,826 of 712,492 alleles (21%); highest among the groups gnomAD compares: African/African-American, 65%; 24,322 homozygotes.

Submission:

GeneDx
Classification: Benign. Last evaluated: 2018-06-14. Review status: criteria provided, single submitter. Criteria: GeneDx Variant Classification (06012015). Collection method: clinical testing. Allele origin: germline. Affected: yes.
Comment: This variant is considered likely benign or benign based on one or more of the following criteria: it is a conservative change, it occurs at a poorly conserved position in the protein, it is predicted to be benign by multiple in silico algorithms, and/or has population frequency not consistent with disease.

NM_012233.3(RAB3GAP1):c.483-140C>A

Gene: RAB3GAP1 (RAB3 GTPase activating protein catalytic subunit 1; plus strand). Cytogenetic location: 2q21.3.
Variant type: single nucleotide variant.
Coding change: c.483-140C>A on transcript NM_012233.3 (MANE Select); 140 bases into the intron before coding-DNA position 483, C replaced by A.
Molecular consequence: intron variant.
Genome position (GRCh38, 1-based): chr2:135,115,076, C>A. VCF-style: chr2-135115076-C-A. GRCh37 (hg19) VCF-style: chr2-135872646-C-A.
Other names: c.483-140C>A (NM_001172435.2).
Identifiers: ClinVar variation 668607 (VCV000668607.1), dbSNP rs4954220, ClinGen allele CA15188318.